The following is an entry in ClinVar:

ClinVar aggregate classification (germline): Pathogenic. Review status: criteria provided, multiple submitters, no conflicts (2 of 4 stars). 4 submissions from 4 submitters: Pathogenic (2). 2 of the submissions do not count toward it. Last evaluated 2024-09-30.

Conditions:
Phenylketonuria (PKU). Also called: Phenylketonuria (PKU); FOLLING DISEASE; OLIGOPHRENIA PHENYLPYRUVICA; Phenylketonurias. Identifiers: Orphanet 716, MedGen C0031485, MONDO:0009861, OMIM 261600. Disease mechanism: loss of function.

Allele frequency attached by ClinVar (database versions not stated): gnomAD exomes below 0.00001.

Submissions (4):

Natera, Inc.
Classification: Pathogenic for Phenylketonuria. Last evaluated: 2024-09-30. Review status: criteria provided, single submitter. Criteria: Natera Variant Classification Schema (03/2026). Collection method: clinical testing. Allele origin: germline.
Comment: The c.1219C>T variant in PAH is a missense variant predicted to cause substitution of proline to serine at amino acid 407. This variant is rare in the general population with a frequency below the threshold expected for the associated phenotype(s). This variant has been observed in one or more individuals affected with the associated recessive disease, as either homozygous or compound heterozygous with a second variant (PMID: 14681498, 12777691, 21307867, 10484807, 16143554). A different variant at the same position has been determined to be Pathogenic or Likely Pathogenic. Computational prediction algorithms indicate this variant is likely to affect gene or protein function. Given the available evidence, this variant is classified as Pathogenic.

Labcorp Genetics (formerly Invitae), Labcorp
Classification: Pathogenic for Phenylketonuria. Last evaluated: 2021-01-22. Review status: criteria provided, single submitter. Criteria: Invitae Variant Classification Sherloc (09022015). Collection method: clinical testing. Allele origin: germline.
Comment: This variant is not present in population databases (ExAC no frequency). For these reasons, this variant has been classified as Pathogenic. This variant has been reported to have conflicting or insufficient data to determine the effect on PAH protein function (PMID: 17935162, 15557004). This variant has been observed in individual(s) with hyperphenylalaninemia (PMID: 15503242,9359039, 14681498, 14726806, 10484807). ClinVar contains an entry for this variant (Variation ID: 102568). This sequence change replaces proline with serine at codon 407 of the PAH protein (p.Pro407Ser). The proline residue is highly conserved and there is a moderate physicochemical difference between proline and serine.

Counsyl
Classification: Likely pathogenic for Phenylketonuria. Last evaluated: 2018-01-23. Review status: no assertion criteria provided. Collection method: clinical testing. Allele origin: unknown. Not counted in ClinVar's aggregate classification.

DeBelle Laboratory for Biochemical Genetics, MUHC/MCH RESEARCH INSTITUTE
No classification provided. Review status: no classification provided. Collection method: not provided. Allele origin: not provided. Not counted in ClinVar's aggregate classification.

Literature cited by the submitters: PubMed 14681498 (cited by Natera, Inc. and Labcorp Genetics (formerly Invitae), Labcorp); PubMed 12777691 (cited by Natera, Inc.); PubMed 21307867 (cited by Natera, Inc. and Counsyl); PubMed 10484807 (cited by Natera, Inc. and Labcorp Genetics (formerly Invitae), Labcorp); PubMed 16143554 (cited by Natera, Inc.); PubMed 17935162 (cited by Labcorp Genetics (formerly Invitae), Labcorp); PubMed 15557004 (cited by Labcorp Genetics (formerly Invitae), Labcorp and Counsyl); PubMed 15503242 (cited by Labcorp Genetics (formerly Invitae), Labcorp and Counsyl); PubMed 9359039 (cited by Labcorp Genetics (formerly Invitae), Labcorp); PubMed 14726806 (cited by Labcorp Genetics (formerly Invitae), Labcorp and Counsyl); PubMed 11385716 (cited by Counsyl); PubMed 17924342 (cited by Counsyl); PubMed 8981952 (cited by Counsyl).

NM_000277.3(PAH):c.1219C>T (p.Pro407Ser)

Gene: PAH (phenylalanine hydroxylase; minus strand). Cytogenetic location: 12q23.2.
Variant type: single nucleotide variant.
Coding change: c.1219C>T on transcript NM_000277.3 (MANE Select); coding-DNA position 1219, C replaced by T.
Protein change: p.Pro407Ser; replaces proline 407 with serine.
Molecular consequence: missense variant.
Genome position (GRCh38, 1-based): chr12:102,840,496, G>A on the plus strand (C>T on the coding strand, the complement: PAH is on the minus strand). VCF-style: chr12-102840496-G-A. GRCh37 (hg19) VCF-style: chr12-103234274-G-A.
Other names: c.1219C>T, p.Pro407Ser (NM_001354304.2); c.1219C>T (NM_000277.2); short protein forms P407S.
Identifiers: ClinVar variation 102568 (VCV000102568.10), dbSNP rs62644465, ClinGen allele CA229400.
Genomic context (GRCh38, chr12:102,840,496, plus strand): 5'-TATTGTCCAAGACCTCAATCCTTTGGGTGTATGGGTCGTAGCGAACTGAGAAGGGCCGAG[G>A]TATTGTGGCAGCAAAGTTCCTAAGACCAAAACCACAGGCTTGAGTGAAGGGCACCATTTG-3'
Protein context (NP_000268.1, residues 397-417): EKVRNFAATI[Pro407Ser]RPFSVRYDPY